The following is an entry in ClinVar:

NM_002839.4(PTPRD):c.3292A>C (p.Arg1098=)

Gene: PTPRD (protein tyrosine phosphatase receptor type D; minus strand). Cytogenetic location: 9p24.1.
Variant type: single nucleotide variant.
Coding change: c.3292A>C on transcript NM_002839.4 (MANE Select); coding-DNA position 3292, A replaced by C.
Protein change: p.Arg1098=; no amino-acid change (arginine 1098 retained).
Molecular consequence: synonymous variant.
Genome position (GRCh38, 1-based): chr9:8,484,240, T>G on the plus strand (A>C on the coding strand, the complement: PTPRD is on the minus strand). VCF-style: chr9-8484240-T-G. GRCh37 (hg19) VCF-style: chr9-8484240-T-G.
Other names: c.2059A>C, p.Arg687= (NM_130392.3, NM_130391.4); c.2044A>C, p.Arg682= (NM_130393.3); c.2050A>C, p.Arg684= (NM_001040712.2); c.2029A>C, p.Arg677= (NM_001171025.2); c.2041A>C, p.Arg681= (NM_001377946.1); c.2053A>C, p.Arg685= (NM_001377947.1); c.3295A>C, p.Arg1099= (NM_001377958.1); c.3292A>C, p.Arg1098= (NM_001378058.1).
Identifiers: ClinVar variation 3038026 (VCV003038026.2), dbSNP rs12344148, ClinGen allele CA4983866.

ClinVar aggregate classification (germline): Benign (0 of 4 stars; one submission).

Conditions:
PTPRD-related disorder. Also called: PTPRD-related condition.

Allele frequency attached by ClinVar (database versions not stated): gnomAD exomes 0.00431; ExAC 0.01408; gnomAD 0.04502; 1000 Genomes Project 0.04872; ESP Exome Variant Server 0.04959; TOPMed 0.05106; 1000 Genomes Project 30x 0.05184.
gnomAD v4.1: 13,384 of 1,614,054 alleles (0.83%); highest among the groups gnomAD compares: African/African-American, 15%; 947 homozygotes.

Submission:

PreventionGenetics, part of Exact Sciences
Classification: Benign for PTPRD-related condition. Last evaluated: 2019-07-31. Review status: no assertion criteria provided. Collection method: clinical testing. Allele origin: germline.
Comment: This variant is classified as benign based on ACMG/AMP sequence variant interpretation guidelines (Richards et al. 2015 PMID: 25741868, with internal and published modifications).